The following is an entry in ClinVar:

ClinVar aggregate classification (germline): Uncertain significance. Review status: criteria provided, multiple submitters, no conflicts (2 of 4 stars). 2 submissions from 2 submitters: Uncertain significance (2). Last evaluated 2020-02-03.

Conditions:
Fanconi anemia, complementation group S (FANCS). Identifiers: MedGen C4554406, MONDO:0054748, OMIM 617883.
Hereditary cancer-predisposing syndrome. Also called: Hereditary Cancer Syndrome; Neoplastic Syndromes, Hereditary; Tumor predisposition; Hereditary neoplastic syndrome. Identifiers: Orphanet 140162, MedGen C0027672, MeSH D009386, MONDO:0015356.

Submissions (2):

Department of Pathology and Laboratory Medicine, Sinai Health System
Classification: Uncertain significance for Fanconi anemia, complementation group S. Last evaluated: 2020-02-03. Review status: criteria provided, single submitter. Criteria: ACMG Guidelines, 2015. Collection method: clinical testing. Allele origin: germline.

Ambry Genetics
Classification: Uncertain significance for Hereditary cancer-predisposing syndrome. Last evaluated: 2019-04-13. Review status: criteria provided, single submitter. Criteria: Ambry Variant Classification Scheme 2023. Collection method: clinical testing. Allele origin: germline.
Comment: The p.P1594L variant (also known as c.4781C>T), located in coding exon 14 of the BRCA1 gene, results from a C to T substitution at nucleotide position 4781. The proline at codon 1594 is replaced by leucine, an amino acid with similar properties. This amino acid position is well conserved in available vertebrate species. In addition, this alteration is predicted to be deleterious by in silico analysis. Since supporting evidence is limited at this time, the clinical significance of this alteration remains unclear.

NM_007294.4(BRCA1):c.4781C>T (p.Pro1594Leu)

Gene: BRCA1 (BRCA1 DNA repair associated; minus strand). Cytogenetic location: 17q21.31.
Variant type: single nucleotide variant.
Coding change: c.4781C>T on transcript NM_007294.4 (MANE Select); coding-DNA position 4781, C replaced by T.
Protein change: p.Pro1594Leu; replaces proline 1594 with leucine.
Molecular consequence: missense variant. On other transcripts: non-coding transcript variant (1).
Genome position (GRCh38, 1-based): chr17:43,071,133, G>A on the plus strand (C>T on the coding strand, the complement: BRCA1 is on the minus strand). VCF-style: chr17-43071133-G-A. GRCh37 (hg19) VCF-style: chr17-41223150-G-A.
Other names: c.1469C>T, p.Pro490Leu (NM_001407980.1, NM_001407983.1, NM_001407984.1 and 13 more transcripts); c.4778C>T, p.Pro1593Leu (NM_001407617.1, NM_001407618.1, NM_001407619.1 and 17 more transcripts); c.4568C>T, p.Pro1523Leu (NM_001407571.1, NM_001407894.1, NM_001407895.1 and 12 more transcripts); c.4847C>T, p.Pro1616Leu (NM_001407581.1, NM_001407582.1); c.4844C>T, p.Pro1615Leu (NM_001407583.1, NM_001407585.1, NM_001407587.1 and 1 more transcripts); c.4841C>T, p.Pro1614Leu (NM_001407590.1, NM_001407591.1); c.4781C>T, p.Pro1594Leu (NM_001407593.1, NM_001407594.1, NM_001407596.1 and 8 more transcripts); c.4775C>T, p.Pro1592Leu (NM_001407627.1, NM_001407628.1, NM_001407629.1 and 14 more transcripts); and 70 more; short protein forms P466L, P487L, P488L, P489L, P512L, P726L, P1481L, P1523L.
Identifiers: ClinVar variation 1743052 (VCV001743052.3), dbSNP rs1301724072, ClinGen allele CA10591952.